The following is an entry in ClinVar:

ClinVar aggregate classification (germline): Pathogenic/Likely pathogenic. Review status: criteria provided, multiple submitters, no conflicts (2 of 4 stars). 3 submissions from 3 submitters: Pathogenic (1); Likely pathogenic (1). 1 of the submissions does not count toward it. Last evaluated 2024-06-11.

Conditions:
Hypotrichosis 8 (HYPT8). Also called: HYPOTRICHOSIS, LOCALIZED, AUTOSOMAL RECESSIVE 3. Identifiers: Orphanet 55654, MedGen C3279470, MONDO:0010206, OMIM 278150.

Allele frequency attached by ClinVar (database versions not stated): ExAC 0.00001; gnomAD 0.00001; gnomAD exomes 0.00001; TOPMed 0.00001.
gnomAD v4.1: 22 of 1,613,606 alleles (0.0014%); highest among the groups gnomAD compares: Middle Eastern, 0.016%; no homozygotes.

Submissions (3):

Women's Health and Genetics/Laboratory Corporation of America, LabCorp
Classification: Pathogenic for Hypotrichosis 8. Last evaluated: 2024-06-11. Review status: criteria provided, single submitter. Criteria: LabCorp Variant Classification Summary - May 2015. Collection method: clinical testing. Allele origin: germline.
Comment: Variant summary: LPAR6 c.565G>A (p.Glu189Lys) results in a conservative amino acid change located in the GPCR, rhodopsin-like, 7TM domain (IPR017452) of the encoded protein sequence. Three of five in-silico tools predict a damaging effect of the variant on protein function. The variant allele was found at a frequency of 1.2e-05 in 249012 control chromosomes (gnomAD). c.565G>A has been reported in the literature in several homozygous individuals affected with Woolly hair, autosomal recessive, with or without hypotrichosis (examples: Saleh_2021, Shimomura_2008). These data indicate that the variant is very likely to be associated with disease. In vitro functional studies, suggest that the variant may be defective in ligand binding and/or signaling (Yanagida_2023). The following publications have been ascertained in the context of this evaluation (PMID: 36173926, 18461368, 34374989, 18297072). ClinVar contains an entry for this variant (Variation ID: 1829). Based on the evidence outlined above, the variant was classified as pathogenic.

SIB Swiss Institute of Bioinformatics
Classification: Likely pathogenic for Hypotrichosis 8. Review status: criteria provided, single submitter. Criteria: ACMG Guidelines, 2015. Collection method: curation. Allele origin: unknown.
Comment: This variant is interpreted as likely pathogenic for Woolly hair autosomal recessive 1 with or without hypotrichosis. The following ACMG Tag(s) were applied: Absent from controls (or at extremely low frequency if recessive) in Exome Sequencing Project, 1000 Genomes Project, or Exome Aggregation Consortium (PM2); Cosegregation with disease in multiple affected family members in a gene definitively known to cause the disease (PP1); For recessive disorders, detected in trans with a pathogenic variant (PM3); Well-established functional studies show a deleterious effect (PS3 downgraded to supporting); Multiple lines of computational evidence support a deleterious effect on the gene or gene product (PP3).

OMIM
Classification: Pathogenic for WOOLLY HAIR, AUTOSOMAL RECESSIVE 1. Last evaluated: 2008-06-01. Review status: no assertion criteria provided. Collection method: literature only. Allele origin: germline. Not counted in ClinVar's aggregate classification.

Literature cited by the submitters: PubMed 34374989 (cited by Women's Health and Genetics/Laboratory Corporation of America, LabCorp); PubMed 18461368 (cited by 3 submitters); PubMed 18297072 (cited by 3 submitters); PubMed 36173926 (cited by Women's Health and Genetics/Laboratory Corporation of America, LabCorp and SIB Swiss Institute of Bioinformatics).

NM_001162498.3(LPAR6):c.565G>A (p.Glu189Lys)

Genes: LPAR6 (lysophosphatidic acid receptor 6; minus strand), RB1 (RB transcriptional corepressor 1; plus strand). Cytogenetic location: 13q14.2.
Variant type: single nucleotide variant.
Coding change: c.565G>A on transcript NM_001162498.3 (MANE Select); coding-DNA position 565, G replaced by A.
Protein change: p.Glu189Lys; replaces glutamic acid 189 with lysine.
Molecular consequence: missense variant. On other transcripts: intron variant (2).
Genome position (GRCh38, 1-based): chr13:48,411,859, C>T on the plus strand (G>A on the coding strand, the complement: LPAR6 is on the minus strand). VCF-style: chr13-48411859-C-T. GRCh37 (hg19) VCF-style: chr13-48985995-C-T.
Other names: c.565G>A, p.Glu189Lys (NM_001162497.3, NM_001377316.2, NM_001377317.2 and 1 more transcripts); c.1695+30416C>T (NM_001407165.1, NM_000321.3); short protein forms E189K.
Identifiers: ClinVar variation 1829 (VCV000001829.3), dbSNP rs121434309, ClinGen allele CA026391.